The following is an entry in ClinVar:

NM_002578.5(PAK3):c.929T>C (p.Ile310Thr)

Gene: PAK3 (p21 (RAC1) activated kinase 3; plus strand). Cytogenetic location: Xq23.
Variant type: single nucleotide variant.
Coding change: c.929T>C on transcript NM_002578.5 (MANE Select); coding-DNA position 929, T replaced by C.
Protein change: p.Ile310Thr; replaces isoleucine 310 with threonine.
Molecular consequence: missense variant. On other transcripts: non-coding transcript variant (2).
Genome position (GRCh38, 1-based): chrX:111,192,555, T>C. VCF-style: chrX-111192555-T-C. GRCh37 (hg19) VCF-style: chrX-110435783-T-C.
Other names: c.929T>C, p.Ile310Thr (NM_001128166.3, NM_001128167.3, NM_001324325.2 and 5 more transcripts); c.1037T>C, p.Ile346Thr (NM_001128168.3); c.992T>C, p.Ile331Thr (NM_001128172.2); c.974T>C, p.Ile325Thr (NM_001128173.3, NM_001324327.2, NM_001324328.2 and 2 more transcripts); short protein forms I310T, I325T, I331T, I346T.
Identifiers: ClinVar variation 4690124 (VCV004690124.1).

ClinVar aggregate classification (germline): Uncertain significance (1 of 4 stars; one submission).

Submission:

GeneDx
Classification: Uncertain significance. Last evaluated: 2025-07-29. Review status: criteria provided, single submitter. Criteria: GeneDx Variant Classification Process June 2021. Collection method: clinical testing. Allele origin: germline. Affected: yes.
Comment: Not observed at significant frequency in large population cohorts (gnomAD); In silico analysis supports that this missense variant has a deleterious effect on protein structure/function; Has not been previously published as pathogenic or benign to our knowledge